The following is an entry in ClinVar:

NM_000051.4(ATM):c.5247C>T (p.Phe1749=)

Gene: ATM (ATM serine/threonine kinase; plus strand). Cytogenetic location: 11q22.3.
Variant type: single nucleotide variant.
Coding change: c.5247C>T on transcript NM_000051.4 (MANE Select); coding-DNA position 5247, C replaced by T.
Protein change: p.Phe1749=; no amino-acid change (phenylalanine 1749 retained).
Molecular consequence: synonymous variant.
Genome position (GRCh38, 1-based): chr11:108,301,717, C>T. VCF-style: chr11-108301717-C-T. GRCh37 (hg19) VCF-style: chr11-108172444-C-T.
Other names: c.5247C>T, p.Phe1749= (NM_001351834.2).
Identifiers: ClinVar variation 1539330 (VCV001539330.10), dbSNP rs2083441197, ClinGen allele CA476674792.

ClinVar aggregate classification (germline): Benign/Likely benign. Review status: criteria provided, multiple submitters, no conflicts (2 of 4 stars). 3 submissions from 3 submitters: Benign (1); Likely benign (2). Last evaluated 2024-05-22.

Conditions:
Familial cancer of breast. Also called: hereditary breast carcinoma; BREAST CANCER, FAMILIAL; Hereditary breast cancer. Identifiers: Orphanet 227535, MedGen C0346153, MONDO:0016419, OMIM 114480. Disease mechanism: loss of function.
Ataxia-telangiectasia syndrome (AT). Also called: Ataxia-telangiectasia, complementation group D; AT, COMPLEMENTATION GROUP C; Cerebello-oculocutaneous telangiectasia; Immunodeficiency with ataxia telangiectasia; Ataxia telangiectasia (A-T); LOUIS-BAR SYNDROME. Identifiers: Orphanet 100, MedGen C0004135, MONDO:0008840, OMIM 208900.

Submissions (3):

Myriad Genetics, Inc.
Classification: Benign for Familial cancer of breast. Last evaluated: 2024-05-22. Review status: criteria provided, single submitter. Criteria: Myriad Autosomal Dominant, Autosomal Recessive and X-Linked Classification Criteria (2023). Collection method: clinical testing. Allele origin: unknown.
Comment: This variant is considered benign. This variant is a silent/synonymous amino acid change and it is not expected to impact splicing.

Blueprint Genetics
Classification: Likely benign. Last evaluated: 2024-01-15. Review status: criteria provided, single submitter. Criteria: ACMG Guidelines, 2015. Collection method: clinical testing. Allele origin: germline.

Labcorp Genetics (formerly Invitae), Labcorp
Classification: Likely benign for Ataxia-telangiectasia syndrome. Last evaluated: 2021-03-08. Review status: criteria provided, single submitter. Criteria: Invitae Variant Classification Sherloc (09022015). Collection method: clinical testing. Allele origin: germline.